The following is an entry in ClinVar:

ClinVar aggregate classification (germline): Pathogenic (1 of 4 stars; one submission).

Conditions:
Ataxia-telangiectasia syndrome (AT). Also called: LOUIS-BAR SYNDROME; Cerebello-oculocutaneous telangiectasia; Immunodeficiency with ataxia telangiectasia; AT, COMPLEMENTATION GROUP C; Ataxia-telangiectasia, complementation group D; ATAXIA-TELANGIECTASIA, COMPLEMENTATION GROUP A. Identifiers: Orphanet 100, MedGen C0004135, MONDO:0008840, OMIM 208900.

Submission:

Labcorp Genetics (formerly Invitae), Labcorp
Classification: Pathogenic for Ataxia-telangiectasia syndrome. Last evaluated: 2022-11-01. Review status: criteria provided, single submitter. Criteria: Invitae Variant Classification Sherloc (09022015). Collection method: clinical testing. Allele origin: unknown.
Comment: For these reasons, this variant has been classified as Pathogenic. This variant disrupts a region of the ATM protein in which other variant(s) (p.Arg3047*) have been determined to be pathogenic (PMID: 8755918, 10980530, 18560558, 19691550, 26628246). This suggests that this is a clinically significant region of the protein, and that variants that disrupt it are likely to be disease-causing. A similar copy number variant has been observed in individual(s) with ataxia-telangiectasia and/or cholangiocarcinoma (PMID: 22213089, 32624572). This variant is a gross deletion of the genomic region encompassing exon(s) 19-63 of the ATM gene, which includes the termination codon. This deletion extends beyond the assayed region for this gene and therefore may encompass additional genes. While this deletion is not anticipated to lead to nonsense mediated decay, it is expected to alter mRNA translation or result in a truncated protein product.

Literature cited by the submitters: PubMed 8755918; PubMed 10980530; PubMed 18560558; PubMed 19691550; PubMed 26628246; PubMed 22213089; PubMed 32624572.

NC_000011.9:g.(?_108141781)_(108236235_?)del

Gene: ATM (ATM serine/threonine kinase; plus strand). Cytogenetic location: 11q22.3.
Variant type: Deletion.
Identifiers: ClinVar variation 3244466 (VCV003244466.1).